The following is an entry in ClinVar:

NM_030912.3(TRIM8):c.270G>A (p.Leu90=)

Gene: TRIM8 (tripartite motif containing 8; plus strand). Cytogenetic location: 10q24.32.
Variant type: single nucleotide variant.
Coding change: c.270G>A on transcript NM_030912.3 (MANE Select); coding-DNA position 270, G replaced by A.
Protein change: p.Leu90=; no amino-acid change (leucine 90 retained).
Molecular consequence: synonymous variant. On other transcripts: non-coding transcript variant (1).
Genome position (GRCh38, 1-based): chr10:102,644,887, G>A. VCF-style: chr10-102644887-G-A. GRCh37 (hg19) VCF-style: chr10-104404644-G-A.
Other names: c.270G>A (NM_030912.2); c.270G>A, p.Leu90= (NM_001345950.1).
Identifiers: ClinVar variation 1328030 (VCV001328030.35), dbSNP rs375705231, ClinGen allele CA5668061.

ClinVar aggregate classification (germline): Benign/Likely benign. Review status: criteria provided, multiple submitters, no conflicts (2 of 4 stars). 6 submissions from 6 submitters: Benign (1); Likely benign (3). 2 of the submissions do not count toward it. Last evaluated 2026-01-28.

Conditions:
TRIM8-related disorder. Also called: TRIM8-related condition.

Allele frequency attached by ClinVar (database versions not stated): ESP Exome Variant Server 0.00085; gnomAD 0.00086 and 0.00091; gnomAD exomes 0.00101 and 0.00157; TOPMed 0.00080; ExAC 0.00116.

Submissions (6):

Labcorp Genetics (formerly Invitae), Labcorp
Classification: Benign. Last evaluated: 2026-01-28. Review status: criteria provided, single submitter. Criteria: Invitae Variant Classification Sherloc (09022015). Collection method: clinical testing. Allele origin: germline.

PreventionGenetics, part of Exact Sciences
Classification: Likely benign for TRIM8-related condition. Last evaluated: 2025-12-23. Review status: criteria provided, single submitter. Criteria: ACMG Guidelines, 2015. Collection method: clinical testing. Allele origin: germline.
Comment: This variant is classified as likely benign based on ACMG/AMP sequence variant interpretation guidelines (Richards et al. 2015 PMID: 25741868, with internal and published modifications).

CeGaT Center for Human Genetics Tuebingen
Classification: Likely benign. Last evaluated: 2025-03-01. Review status: criteria provided, single submitter. Criteria: CeGaT Center For Human Genetics Tuebingen Variant Classification Criteria Version 2. Collection method: clinical testing. Allele origin: germline. Affected: yes. Observed: 4 variant alleles.
Comment: TRIM8: BP4, BP7

Blueprint Genetics
Classification: Likely benign. Last evaluated: 2024-10-03. Review status: criteria provided, single submitter. Criteria: ACMG Guidelines, 2015. Collection method: clinical testing. Allele origin: germline.

Clinical Genetics DNA and cytogenetics Diagnostics Lab, Erasmus MC, Erasmus Medical Center
Classification: Likely benign. Review status: no assertion criteria provided. Collection method: clinical testing. Allele origin: germline. Affected: yes. Study: VKGL Data-share Consensus. Not counted in ClinVar's aggregate classification.

Genome Diagnostics Laboratory, University Medical Center Utrecht
Classification: Benign. Review status: no assertion criteria provided. Collection method: clinical testing. Allele origin: germline. Affected: yes. Study: VKGL Data-share Consensus. Not counted in ClinVar's aggregate classification.